The following is an entry in ClinVar:

ClinVar aggregate classification (germline): Likely benign. Review status: criteria provided, multiple submitters, no conflicts (2 of 4 stars). 2 submissions from 2 submitters: Likely benign (2). Last evaluated 2023-11-02.

Conditions:
Left ventricular noncompaction 8 (LVNC8). Identifiers: Orphanet 154, Orphanet 54260, MedGen C3809288, MONDO:0014152, OMIM 615373.

Allele frequency attached by ClinVar (database versions not stated): TOPMed 0.00003; gnomAD exomes 0.00003.
gnomAD v4.1: 44 of 1,604,052 alleles (0.0027%); highest among the groups gnomAD compares: Non-Finnish European, 0.0032%; no homozygotes.

Submissions (2):

Labcorp Genetics (formerly Invitae), Labcorp
Classification: Likely benign for Left ventricular noncompaction 8. Last evaluated: 2023-11-02. Review status: criteria provided, single submitter. Criteria: Invitae Variant Classification Sherloc (09022015). Collection method: clinical testing. Allele origin: germline.

GeneDx
Classification: Likely benign. Last evaluated: 2017-10-05. Review status: criteria provided, single submitter. Criteria: GeneDx Variant Classification (06012015). Collection method: clinical testing. Allele origin: germline. Affected: yes.
Comment: This variant is considered likely benign or benign based on one or more of the following criteria: it is a conservative change, it occurs at a poorly conserved position in the protein, it is predicted to be benign by multiple in silico algorithms, and/or has population frequency not consistent with disease.

NM_022114.4(PRDM16):c.1074G>A (p.Ser358=)

Gene: PRDM16 (PR/SET domain 16; plus strand). Cytogenetic location: 1p36.32.
Variant type: single nucleotide variant.
Coding change: c.1074G>A on transcript NM_022114.4 (MANE Select); coding-DNA position 1074, G replaced by A.
Protein change: p.Ser358=; no amino-acid change (serine 358 retained).
Molecular consequence: synonymous variant.
Genome position (GRCh38, 1-based): chr1:3,405,536, G>A. VCF-style: chr1-3405536-G-A. GRCh37 (hg19) VCF-style: chr1-3322100-G-A.
Other names: c.1074G>A, p.Ser358= (NM_199454.3).
Identifiers: ClinVar variation 512437 (VCV000512437.8), dbSNP rs767835445, ClinGen allele CA544091.